The following is an entry in ClinVar:

ClinVar aggregate classification (germline): Uncertain significance (1 of 4 stars; one submission).

Submission:

Labcorp Genetics (formerly Invitae), Labcorp
Classification: Uncertain significance. Last evaluated: 2022-04-18. Review status: criteria provided, single submitter. Criteria: Invitae Variant Classification Sherloc (09022015). Collection method: clinical testing. Allele origin: germline.
Comment: This sequence change replaces isoleucine, which is neutral and non-polar, with methionine, which is neutral and non-polar, at codon 135 of the SLC16A1 protein (p.Ile135Met). This variant has not been reported in the literature in individuals affected with SLC16A1-related conditions. This variant is not present in population databases (gnomAD no frequency). Algorithms developed to predict the effect of missense changes on protein structure and function are either unavailable or do not agree on the potential impact of this missense change (SIFT: "Deleterious"; PolyPhen-2: "Probably Damaging"; Align-GVGD: "Class C0"). In summary, the available evidence is currently insufficient to determine the role of this variant in disease. Therefore, it has been classified as a Variant of Uncertain Significance.

NM_003051.4(SLC16A1):c.405T>G (p.Ile135Met)

Gene: SLC16A1 (solute carrier family 16 member 1; minus strand). Cytogenetic location: 1p13.2.
Variant type: single nucleotide variant.
Coding change: c.405T>G on transcript NM_003051.4 (MANE Select); coding-DNA position 405, T replaced by G.
Protein change: p.Ile135Met; replaces isoleucine 135 with methionine.
Molecular consequence: missense variant.
Genome position (GRCh38, 1-based): chr1:112,918,001, A>C on the plus strand (T>G on the coding strand, the complement: SLC16A1 is on the minus strand). VCF-style: chr1-112918001-A-C. GRCh37 (hg19) VCF-style: chr1-113460623-A-C.
Other names: c.405T>G, p.Ile135Met (NM_001166496.2); short protein forms I135M.
Identifiers: ClinVar variation 2127805 (VCV002127805.4), dbSNP rs2525090459, ClinGen allele CA341829041.